The following is an entry in ClinVar:

NM_173602.3(DIP2B):c.793G>A (p.Asp265Asn)

Gene: DIP2B (disco interacting protein 2 homolog B; plus strand). Cytogenetic location: 12q13.12.
Variant type: single nucleotide variant.
Coding change: c.793G>A on transcript NM_173602.3 (MANE Select); coding-DNA position 793, G replaced by A.
Protein change: p.Asp265Asn; replaces aspartic acid 265 with asparagine.
Molecular consequence: missense variant.
Genome position (GRCh38, 1-based): chr12:50,674,626, G>A. VCF-style: chr12-50674626-G-A. GRCh37 (hg19) VCF-style: chr12-51068409-G-A.
Other names: short protein forms D265N.
Identifiers: ClinVar variation 377262 (VCV000377262.7), dbSNP rs73093419, ClinGen allele CA6564335.

ClinVar aggregate classification (germline): Benign/Likely benign. Review status: criteria provided, multiple submitters, no conflicts (2 of 4 stars). 3 submissions from 3 submitters: Benign (1); Likely benign (2). Last evaluated 2018-03-29.

Allele frequency attached by ClinVar (database versions not stated): 1000 Genomes Project 0.00280; 1000 Genomes Project 30x 0.00297; gnomAD exomes 0.00605 and 0.01035; gnomAD 0.00609 and 0.00668; ExAC 0.00620; TOPMed 0.00663; ESP Exome Variant Server 0.00753.
gnomAD v4.1: 16,055 of 1,613,996 alleles (0.99%); highest among the groups gnomAD compares: Non-Finnish European, 1.2%; 105 homozygotes.

Submissions (3):

Labcorp Genetics (formerly Invitae), Labcorp
Classification: Benign. Last evaluated: 2018-03-29. Review status: criteria provided, single submitter. Criteria: Invitae Variant Classification Sherloc (09022015). Collection method: clinical testing. Allele origin: germline.

Center for Pediatric Genomic Medicine, Children's Mercy Hospital and Clinics
Classification: Likely benign. Last evaluated: 2016-09-15. Review status: criteria provided, single submitter. Criteria: ACMG Guidelines, 2015. Collection method: clinical testing. Allele origin: germline.
ClinVar note: Converted during submission from Likely Benign to Likely benign.

Breakthrough Genomics
Classification: Likely benign. Review status: criteria provided, single submitter. Criteria: ACMG Guidelines, 2015. Collection method: not provided. Allele origin: germline. Inheritance: Autosomal dominant inheritance. Affected: yes.